The following is an entry in ClinVar:

ClinVar aggregate classification (germline): Pathogenic. Review status: criteria provided, multiple submitters, no conflicts (2 of 4 stars). 3 submissions from 3 submitters: Pathogenic (2). 1 of the submissions does not count toward it. Last evaluated 2026-05-19.

Conditions:
Hereditary cancer-predisposing syndrome. Also called: Neoplastic Syndromes, Hereditary; Hereditary neoplastic syndrome; Tumor predisposition; Hereditary Cancer Syndrome. Identifiers: Orphanet 140162, MedGen C0027672, MeSH D009386, MONDO:0015356.
Tuberous sclerosis syndrome (TSC). Also called: Tuberous sclerosis; Tuberous Sclerosis Complex. Identifiers: Orphanet 805, MedGen C0041341, MONDO:0001734.
Tuberous sclerosis 2 (TSC2). Identifiers: Orphanet 805, MedGen C1860707, MONDO:0013199, OMIM 613254.

Submissions (3):

Ambry Genetics
Classification: Pathogenic for Hereditary cancer-predisposing syndrome. Last evaluated: 2026-05-19. Review status: criteria provided, single submitter. Criteria: Ambry Variant Classification Scheme 2023. Collection method: clinical testing. Allele origin: germline.
Comment: The p.E234* pathogenic mutation (also known as c.700G>T), located in coding exon 7 of the TSC2 gene, results from a G to T substitution at nucleotide position 700. This changes the amino acid from a glutamic acid to a stop codon within coding exon 7. This variant was reported in individual(s) with features consistent with tuberous sclerosis complex (Luo C et al. Orphanet J Rare Dis. 2022 Jul;17:288; Peron A et al. Eur J Med Genet. 2018 Jul;61:403-410). This variant is considered to be rare based on population cohorts in the Genome Aggregation Database (gnomAD). This alteration is expected to result in loss of function by premature protein truncation or nonsense-mediated mRNA decay. As such, this alteration is interpreted as a disease-causing mutation.

Labcorp Genetics (formerly Invitae), Labcorp
Classification: Pathogenic for Tuberous sclerosis 2. Last evaluated: 2025-09-25. Review status: criteria provided, single submitter. Criteria: Invitae Variant Classification Sherloc (09022015). Collection method: clinical testing. Allele origin: germline.
Comment: This sequence change creates a premature translational stop signal (p.Glu234*) in the TSC2 gene. It is expected to result in an absent or disrupted protein product. Loss-of-function variants in TSC2 are known to be pathogenic (PMID: 10205261, 17304050). This variant is not present in population databases (gnomAD no frequency). This premature translational stop signal has been observed in individual(s) with tuberous sclerosis complex (PMID: 29432982, 35870981). ClinVar contains an entry for this variant (Variation ID: 65028). For these reasons, this variant has been classified as Pathogenic.

Tuberous sclerosis database (TSC2)
No classification provided. Condition: TSC. Review status: no classification provided. Criteria: Tuberous Sclerosis Database Assertion Criteria 2015. Collection method: curation. Allele origin: germline. Affected: yes. Not counted in ClinVar's aggregate classification.

Literature cited by the submitters: PubMed 29432982 (cited by Ambry Genetics and Labcorp Genetics (formerly Invitae), Labcorp); PubMed 35870981 (cited by Ambry Genetics and Labcorp Genetics (formerly Invitae), Labcorp); PubMed 10205261 (cited by Labcorp Genetics (formerly Invitae), Labcorp); PubMed 17304050 (cited by Labcorp Genetics (formerly Invitae), Labcorp).

NM_000548.5(TSC2):c.700G>T (p.Glu234Ter)

Gene: TSC2 (TSC complex subunit 2; plus strand). Cytogenetic location: 16p13.3.
Variant type: single nucleotide variant.
Coding change: c.700G>T on transcript NM_000548.5 (MANE Select); coding-DNA position 700, G replaced by T.
Protein change: p.Glu234Ter; replaces glutamic acid 234 with a stop codon.
Molecular consequence: nonsense.
Genome position (GRCh38, 1-based): chr16:2,056,695, G>T. VCF-style: chr16-2056695-G-T. GRCh37 (hg19) VCF-style: chr16-2106696-G-T.
Other names: c.700G>T, p.Glu234Ter (NM_001077183.3, NM_001114382.3, NM_001363528.2 and 3 more transcripts); c.589G>T, p.Glu197Ter (NM_001318827.2); c.553G>T, p.Glu185Ter (NM_001318829.2); c.100G>T, p.Glu34Ter (NM_001318831.2); c.733G>T, p.Glu245Ter (NM_001318832.2); short protein forms E234*, E197*, E245*, E185*, E34*.
Identifiers: ClinVar variation 65028 (VCV000065028.4), dbSNP rs397515018, ClinGen allele CA022813.